The following is an entry in ClinVar:

NM_032776.3(JMJD1C):c.1726C>T (p.Gln576Ter)

Gene: JMJD1C (jumonji domain containing 1C; minus strand). Cytogenetic location: 10q21.3.
Variant type: single nucleotide variant.
Coding change: c.1726C>T on transcript NM_032776.3 (MANE Select); coding-DNA position 1726, C replaced by T.
Protein change: p.Gln576Ter; replaces glutamine 576 with a stop codon.
Molecular consequence: nonsense. On other transcripts: non-coding transcript variant (1).
Genome position (GRCh38, 1-based): chr10:63,214,441, G>A on the plus strand (C>T on the coding strand, the complement: JMJD1C is on the minus strand). VCF-style: chr10-63214441-G-A. GRCh37 (hg19) VCF-style: chr10-64974201-G-A.
Other names: c.1180C>T, p.Gln394Ter (NM_001282948.2, NM_001318154.2); c.862C>T, p.Gln288Ter (NM_001318153.2); c.1612C>T, p.Gln538Ter (NM_001322252.2); c.1069C>T, p.Gln357Ter (NM_001322254.2, NM_001322258.2); short protein forms Q288*, Q538*, Q576*, Q394*, Q357*.
Identifiers: ClinVar variation 4995412 (VCV004995412.1).

ClinVar aggregate classification (germline): Uncertain significance (1 of 4 stars; one submission).

Conditions:
JMJD1C-related disorder. Also called: JMJD1C-related condition.

Submission:

PreventionGenetics, part of Exact Sciences
Classification: Uncertain significance for JMJD1C-related condition. Last evaluated: 2026-05-18. Review status: criteria provided, single submitter. Criteria: ACMG Guidelines, 2015. Collection method: clinical testing. Allele origin: germline.
Comment: The JMJD1C c.1726C>T variant is predicted to result in premature protein termination (p.Gln576*). To our knowledge, this variant has not been reported in the literature or in a large population database (gnomAD), indicating this variant is rare. This variant is expected to result in a premature termination codon and a disrupted JMJD1C protein. Currently there is insufficient clinical and functional evidence to establish that loss-of-function variants in JMJD1C contribute to disease. Therefore, at this time, the clinical significance of this variant is uncertain due to the absence of conclusive functional and genetic evidence.